The following is an entry in ClinVar:

NM_005853.6(IRX5):c.837G>C (p.Ala279=)

Gene: IRX5 (iroquois homeobox 5; plus strand). Cytogenetic location: 16q12.2.
Variant type: single nucleotide variant.
Coding change: c.837G>C on transcript NM_005853.6 (MANE Select); coding-DNA position 837, G replaced by C.
Protein change: p.Ala279=; no amino-acid change (alanine 279 retained).
Molecular consequence: synonymous variant.
Genome position (GRCh38, 1-based): chr16:54,933,258, G>C. VCF-style: chr16-54933258-G-C. GRCh37 (hg19) VCF-style: chr16-54967170-G-C.
Other names: c.834G>C, p.Ala278= (NM_001252197.1).
Identifiers: ClinVar variation 3034152 (VCV003034152.2), dbSNP rs769340343, ClinGen allele CA495795222.

ClinVar aggregate classification (germline): Likely benign (0 of 4 stars; one submission).

Conditions:
IRX5-related disorder. Also called: IRX5-related condition.

Submission:

PreventionGenetics, part of Exact Sciences
Classification: Likely benign for IRX5-related condition. Last evaluated: 2020-01-15. Review status: no assertion criteria provided. Collection method: clinical testing. Allele origin: germline.
Comment: This variant is classified as likely benign based on ACMG/AMP sequence variant interpretation guidelines (Richards et al. 2015 PMID: 25741868, with internal and published modifications).